The following is an entry in ClinVar:

ClinVar aggregate classification (germline): Likely benign. Review status: criteria provided, multiple submitters, no conflicts (2 of 4 stars). 2 submissions from 2 submitters: Likely benign (2). Last evaluated 2025-12-03.

Conditions:
BAP1-related tumor predisposition syndrome (TPDS1). Also called: BAP1 tumor predisposition syndrome; Tumor susceptibility linked to germline BAP1 mutations; COMMON Syndrome; TUMOR PREDISPOSITION SYNDROME 1. Identifiers: Orphanet 289539, MedGen C3280492, MONDO:0013692, OMIM 614327.

Submissions (2):

Labcorp Genetics (formerly Invitae), Labcorp
Classification: Likely benign for BAP1-related tumor predisposition syndrome. Last evaluated: 2025-12-03. Review status: criteria provided, single submitter. Criteria: Invitae Variant Classification Sherloc (09022015). Collection method: clinical testing. Allele origin: germline.

Myriad Genetics, Inc.
Classification: Likely benign for BAP1-related tumor predisposition syndrome. Last evaluated: 2024-07-11. Review status: criteria provided, single submitter. Criteria: Myriad Autosomal Dominant, Autosomal Recessive and X-Linked Classification Criteria (2023). Collection method: clinical testing. Allele origin: unknown.
Comment: This variant is considered likely benign. This variant is intronic and is not expected to impact mRNA splicing.

NM_004656.4(BAP1):c.123-12T>C

Gene: BAP1 (BRCA1 associated deubiquitinase 1; minus strand). Cytogenetic location: 3p21.1.
Variant type: single nucleotide variant.
Coding change: c.123-12T>C on transcript NM_004656.4 (MANE Select); 12 bases into the intron before coding-DNA position 123, T replaced by C.
Molecular consequence: intron variant.
Genome position (GRCh38, 1-based): chr3:52,408,618, A>G on the plus strand (T>C on the coding strand, the complement: BAP1 is on the minus strand). VCF-style: chr3-52408618-A-G. GRCh37 (hg19) VCF-style: chr3-52442634-A-G.
Other names: c.123-12T>C (NM_001410772.1).
Identifiers: ClinVar variation 2717475 (VCV002717475.4), dbSNP rs2471358996, ClinGen allele CA2532808256.
Genomic context (GRCh38, chr3:52,408,618, plus strand): 5'-CCGGCGCTCTTCGATCCATTTGAACAGGAAGATAAATCCATATACAGGGCTGGGGGAAGT[A>G]AGGGGCAGAGCCAGATCAGCCAAAGGGGAGAAGACAATCAGCATTCCCTTCTTTCTCCCA-3'